The following is an entry in ClinVar:

NM_001267550.2(TTN):c.86953G>T (p.Gly28985Ter)

Genes: TTN (titin; minus strand), TTN-AS1 (TTN antisense RNA 1; plus strand). Cytogenetic location: 2q31.2.
Variant type: single nucleotide variant.
Coding change: c.86953G>T on transcript NM_001267550.2 (MANE Select); coding-DNA position 86953, G replaced by T.
Protein change: p.Gly28985Ter; replaces glycine 28985 with a stop codon.
Molecular consequence: nonsense.
Genome position (GRCh38, 1-based): chr2:178,558,506, C>A on the plus strand (G>T on the coding strand, the complement: TTN is on the minus strand). VCF-style: chr2-178558506-C-A. GRCh37 (hg19) VCF-style: chr2-179423233-C-A.
Other names: c.82030G>T, p.Gly27344Ter (NM_001256850.1); c.59758G>T, p.Gly19920Ter (NM_003319.4); c.79249G>T, p.Gly26417Ter (NM_133378.4); c.60133G>T, p.Gly20045Ter (NM_133432.3); c.60334G>T, p.Gly20112Ter (NM_133437.4); short protein forms G20112*, G26417*, G19920*, G20045*, G27344*, G28985*.
Identifiers: ClinVar variation 5031518 (VCV005031518.1).

ClinVar aggregate classification (germline): Likely pathogenic (1 of 4 stars; one submission).

Conditions:
Cardiovascular phenotype. Identifiers: MedGen CN230736.

Submission:

Ambry Genetics
Classification: Likely pathogenic for Cardiovascular phenotype. Last evaluated: 2026-09-11. Review status: criteria provided, single submitter. Criteria: Ambry Variant Classification Scheme 2023. Collection method: clinical testing. Allele origin: germline.
Comment: The p.G19920* variant (also known as c.59758G>T), located in coding exon 154 of the TTN gene, results from a G to T substitution at nucleotide position 59758. This changes the amino acid from a glycine to a stop codon within coding exon 154. This exon is located in the A-band region of the N2-B isoform of the titin protein and is constitutively expressed in TTN transcripts (percent spliced in or PSI 100%). This variant was reported in individual(s) with features consistent with dilated cardiomyopathy (Ambry internal data). This variant is considered to be rare based on population cohorts in the Genome Aggregation Database (gnomAD). This variant is expected to result in loss of function by premature protein truncation or nonsense-mediated mRNA decay. While truncating variants in TTN are present in 1-3% of the general population, truncating variants in the A-band are the most common cause of dilated cardiomyopathy (Herman DS et al. N. Engl. J. Med., 2012 Feb;366:619-28; Roberts AM et al. Sci Transl Med, 2015 Jan;7:270ra6). TTN truncating variants encoded in constitutive exons (PSI >90%) have been found to be significantly associated with DCM regardless of their position in titin (Schafer S et al. Nat. Genet., 2017 01;49:46-53; Akhtar MM et al. Circ Heart Fail, 2020 Oct;13:e006832; Massier M et al. Clin Genet, 2025 Jan). Based on the majority of available evidence to date, this variant is likely to be pathogenic.